The following is an entry in ClinVar:

ClinVar aggregate classification (germline): Uncertain significance (1 of 4 stars; one submission).

Conditions:
Asphyxiating thoracic dystrophy 3. Also called: POLYDACTYLY WITH NEONATAL CHONDRODYSTROPHY, TYPE I; SHORT-RIB THORACIC DYSPLASIA 3 WITH OR WITHOUT POLYDACTYLY; SHORT-RIB THORACIC DYSPLASIA 3/6 WITH POLYDACTYLY, DIGENIC; Saldino-Noonan Syndrome; Short rib polydactyly syndrome 2B. Identifiers: Orphanet 474, Orphanet 93269, Orphanet 93270, Orphanet 93271, MedGen C0036069, MONDO:0013127, OMIM 613091.

gnomAD v4.1: 1 of 1,612,012 alleles (0.000062%); highest among the groups gnomAD compares: Middle Eastern, 0.021%; no homozygotes.

Submission:

Myriad Genetics, Inc.
Classification: Uncertain significance for Asphyxiating thoracic dystrophy 3. Last evaluated: 2026-02-10. Review status: criteria provided, single submitter. Criteria: Myriad Autosomal Dominant, Autosomal Recessive and X-Linked Classification Criteria (2023). Collection method: clinical testing. Allele origin: unknown.
Comment: NM_001377.2(DYNC2H1):c.7945G>A(G2649S) is a missense variant classified as a variant of uncertain significance in the context of DYNC2H1-related disorders. G2649S has been observed in a case with relevant disease (PMID: 34918830). Relevant functional assessments of this variant are not available in the literature. G2649S has not been observed in referenced population frequency databases. In summary, there is insufficient evidence to classify NM_001377.2(DYNC2H1):c.7945G>A(G2649S) as pathogenic or benign. Please note: this variant was assessed in the context of healthy population screening.

Literature cited by the submitters: PubMed 34918830.

NM_001377.3(DYNC2H1):c.7945G>A (p.Gly2649Ser)

Gene: DYNC2H1 (dynein cytoplasmic 2 heavy chain 1; plus strand). Cytogenetic location: 11q22.3.
Variant type: single nucleotide variant.
Coding change: c.7945G>A on transcript NM_001377.3 (MANE Select); coding-DNA position 7945, G replaced by A.
Protein change: p.Gly2649Ser; replaces glycine 2649 with serine.
Molecular consequence: missense variant.
Genome position (GRCh38, 1-based): chr11:103,199,333, G>A. VCF-style: chr11-103199333-G-A. GRCh37 (hg19) VCF-style: chr11-103070062-G-A.
Other names: c.7945G>A, p.Gly2649Ser (NM_001080463.2); short protein forms G2649S.
Identifiers: ClinVar variation 5004396 (VCV005004396.1).